The following is an entry in ClinVar:

NM_182961.4(SYNE1):c.18574-196A>C

Gene: SYNE1 (spectrin repeat containing nuclear envelope protein 1; minus strand). Cytogenetic location: 6q25.2.
Variant type: single nucleotide variant.
Coding change: c.18574-196A>C on transcript NM_182961.4 (MANE Select); 196 bases into the intron before coding-DNA position 18574, A replaced by C.
Molecular consequence: intron variant.
Genome position (GRCh38, 1-based): chr6:152,269,482, T>G on the plus strand (A>C on the coding strand, the complement: SYNE1 is on the minus strand). VCF-style: chr6-152269482-T-G. GRCh37 (hg19) VCF-style: chr6-152590617-T-G.
Other names: c.18361-196A>C (NM_033071.5).
Identifiers: ClinVar variation 670188 (VCV000670188.1), dbSNP rs6939382, ClinGen allele CA15473011.
Genomic context (GRCh38, chr6:152,269,482, plus strand): 5'-AAAAAAAACAGTAACACAAAACCCATCTAAGTTATGGCATTTGCAGGAGCAAGAACAACA[T>G]ACAGATAATCACACATAGAACTGTTTGAGGGGAAAACCCATATATTTAGAGGTTAGTCTT-3'

ClinVar aggregate classification (germline): Benign (1 of 4 stars; one submission).

Allele frequency attached by ClinVar (database versions not stated): TOPMed 0.64372; gnomAD 0.65376 and 0.65480; 1000 Genomes Project 30x 0.67286; 1000 Genomes Project 0.67572.
gnomAD v4.1: 99,415 of 152,040 alleles (65%); highest among the groups gnomAD compares: East Asian, 82%; 32,879 homozygotes.

Submission:

GeneDx
Classification: Benign. Last evaluated: 2018-06-14. Review status: criteria provided, single submitter. Criteria: GeneDx Variant Classification (06012015). Collection method: clinical testing. Allele origin: germline. Affected: yes.
Comment: This variant is considered likely benign or benign based on one or more of the following criteria: it is a conservative change, it occurs at a poorly conserved position in the protein, it is predicted to be benign by multiple in silico algorithms, and/or has population frequency not consistent with disease.